The following is an entry in ClinVar:

NC_000003.11:g.(142176598_142177799)_(142180933_142183938)del

Gene: ATR (ATR checkpoint kinase; minus strand). Cytogenetic location: 3q23.
Variant type: Deletion.
Identifiers: ClinVar variation 4687819 (VCV004687819.1).

ClinVar aggregate classification (germline): Likely pathogenic (1 of 4 stars; one submission).

Conditions:
Hereditary breast ovarian cancer syndrome. Also called: Hereditary breast and ovarian cancer syndrome (HBOC); Breast and ovarian cancer; Hereditary breast and ovarian cancer; Hereditary breast and ovarian cancer syndrome; BRCA1- and BRCA2-Associated Hereditary Breast and Ovarian Cancer; Hereditary breast and/or ovarian cancer syndrome. Identifiers: Orphanet 145, MedGen C0677776, MeSH D061325, MONDO:0003582. Disease mechanism: loss of function.

Submission:

Women's Health and Genetics/Laboratory Corporation of America, LabCorp
Classification: Likely pathogenic for Hereditary breast ovarian cancer syndrome. Last evaluated: 2025-10-23. Review status: criteria provided, single submitter. Criteria: LabCorp Variant Classification Summary - May 2015. Collection method: clinical testing. Allele origin: germline.
Comment: Variant summary: The variant involves the deletion of exons 42-44 in the ATR gene. A presumed nomenclature of c.(7041+1_7042-1)_(7503+1_7504-1)del has been designated for the purposes of this classification. This Copy Number Variant (CNV) is predicted to result in an in-frame deletion within this gene, removing a large part of the catalytic (kinase) domain (amino acids 2323-2633; IPR000403), which is essential for ATR-mediated DNA damage response signaling (PMID: 15279773, 28622525, 30559436). Loss-of-function variants in this gene are known to be pathogenic. The variant allele was found at a frequency of 8.3e-06 in 120780 control chromosomes in the gnomAD database (Structural Variants v4.1 dataset). c.(7041+1_7042-1)_(7503+1_7504-1)del has been observed in an individual(s) affected with bladder cancer (Dennis_2024). To our knowledge, no experimental evidence demonstrating an impact on protein function has been reported. The following publication has been ascertained in the context of this evaluation (PMID: 38348036). ClinVar contains an entry for this variant (Variation ID: 3246966). Based on the evidence outlined above, the variant was classified as likely pathogenic.

Literature cited by the submitters: PubMed 38348036.